The following is an entry in ClinVar:

ClinVar aggregate classification (germline): Uncertain significance (1 of 4 stars; one submission).

Conditions:
Intellectual developmental disorder with dysmorphic facies and ptosis (IDDDFP). Identifiers: Orphanet 698090, MedGen C4310617, MONDO:0015022, OMIM 617333.

Submission:

MGZ Medical Genetics Center
Classification: Uncertain significance for Intellectual developmental disorder with dysmorphic facies and ptosis. Last evaluated: 2022-06-10. Review status: criteria provided, single submitter. Criteria: ACMG Guidelines, 2015. Collection method: clinical testing. Allele origin: germline. Affected: yes. Observed: 1 variant allele.
Comment: ACMG criteria applied: PM2_SUP, PP2

NM_001003694.2(BRPF1):c.2996G>A (p.Ser999Asn)

Gene: BRPF1 (bromodomain and PHD finger containing 1; plus strand). Cytogenetic location: 3p25.3.
Variant type: single nucleotide variant.
Coding change: c.2996G>A on transcript NM_001003694.2 (MANE Select); coding-DNA position 2996, G replaced by A.
Protein change: p.Ser999Asn; replaces serine 999 with asparagine.
Molecular consequence: missense variant. On other transcripts: non-coding transcript variant (1).
Genome position (GRCh38, 1-based): chr3:9,745,083, G>A. VCF-style: chr3-9745083-G-A. GRCh37 (hg19) VCF-style: chr3-9786767-G-A.
Other names: c.2693G>A, p.Ser898Asn (NM_001319049.2); c.2975G>A, p.Ser992Asn (NM_001319050.2); c.2993G>A, p.Ser998Asn (NM_001410704.1); c.2978G>A, p.Ser993Asn (NM_004634.3); short protein forms S898N, S992N, S993N, S998N, S999N.
Identifiers: ClinVar variation 1709496 (VCV001709496.2), dbSNP rs2471511168, ClinGen allele CA351702866.